The following is an entry in ClinVar:

NM_144670.6(A2ML1):c.2764+20del

Gene: A2ML1 (alpha-2-macroglobulin like 1; plus strand). Cytogenetic location: 12p13.31.
Variant type: Deletion.
Coding change: c.2764+20del on transcript NM_144670.6 (MANE Select); 20 bases into the intron after coding-DNA position 2764, one base deleted (G; older notation c.2764+20delG).
Molecular consequence: intron variant.
Genome position (GRCh38, 1-based): chr12:8,854,851, G deleted; the last of 2 consecutive G bases (chr12:8,854,850-8,854,851); deleting either gives the same sequence. VCF-style (leftmost placement, unchanged base first): chr12-8854849-AG-A. GRCh37 (hg19) VCF-style: chr12-9007445-AG-A.
Other names: c.1291+20del (NM_001282424.3); c.2764+20delG (NM_144670.4).
Identifiers: ClinVar variation 511879 (VCV000511879.8), dbSNP rs764632191, ClinGen allele CA6436126.
Genomic context (GRCh38, chr12:8,854,849, plus strand): 5'-GTCCTGGTGGAGAAGACACACAGCTCATTGCTGTGCCCAAAAGGTGGGTGGACTCAGAGC[AG>A]GATTGGTGGTGAGAATTCCCTTAGAGGGCAGGAGATTTTCTTTTCATTTTTTTTTTTTTT-3'

ClinVar aggregate classification (germline): Likely benign. Review status: criteria provided, multiple submitters, no conflicts (2 of 4 stars). 2 submissions from 2 submitters: Likely benign (2). Last evaluated 2025-02-03.

Submissions (2):

Labcorp Genetics (formerly Invitae), Labcorp
Classification: Likely benign. Last evaluated: 2025-02-03. Review status: criteria provided, single submitter. Criteria: Invitae Variant Classification Sherloc (09022015). Collection method: clinical testing. Allele origin: germline.

GeneDx
Classification: Likely benign. Last evaluated: 2017-09-05. Review status: criteria provided, single submitter. Criteria: GeneDx Variant Classification (06012015). Collection method: clinical testing. Allele origin: germline. Affected: yes.
Comment: This variant is considered likely benign or benign based on one or more of the following criteria: it is a conservative change, it occurs at a poorly conserved position in the protein, it is predicted to be benign by multiple in silico algorithms, and/or has population frequency not consistent with disease.